The following is an entry in ClinVar:

ClinVar aggregate classification (germline): Pathogenic (1 of 4 stars; one submission).

Conditions:
Rubinstein-Taybi syndrome (RSTS). Identifiers: Orphanet 783, MedGen C0035934, MONDO:0019188.

Submission:

Labcorp Genetics (formerly Invitae), Labcorp
Classification: Pathogenic for Rubinstein-Taybi syndrome. Last evaluated: 2019-09-09. Review status: criteria provided, single submitter. Criteria: Invitae Variant Classification Sherloc (09022015). Collection method: clinical testing. Allele origin: germline.
Comment: This sequence change creates a premature translational stop signal (p.Trp1676*) in the CREBBP gene. It is expected to result in an absent or disrupted protein product. This variant is not present in population databases (ExAC no frequency). This variant has not been reported in the literature in individuals with CREBBP-related conditions. Loss-of-function variants in CREBBP are known to be pathogenic (PMID: 17052327, 18792986). For these reasons, this variant has been classified as Pathogenic.

Literature cited by the submitters: PubMed 17052327; PubMed 18792986.

NM_004380.3(CREBBP):c.5028G>A (p.Trp1676Ter)

Gene: CREBBP (CREB binding lysine acetyltransferase; minus strand). Cytogenetic location: 16p13.3.
Variant type: single nucleotide variant.
Coding change: c.5028G>A on transcript NM_004380.3 (MANE Select); coding-DNA position 5028, G replaced by A.
Protein change: p.Trp1676Ter; replaces tryptophan 1676 with a stop codon.
Molecular consequence: nonsense.
Genome position (GRCh38, 1-based): chr16:3,731,336, C>T on the plus strand (G>A on the coding strand, the complement: CREBBP is on the minus strand). VCF-style: chr16-3731336-C-T. GRCh37 (hg19) VCF-style: chr16-3781337-C-T.
Other names: c.4914G>A, p.Trp1638Ter (NM_001079846.1); short protein forms W1638*, W1676*.
Identifiers: ClinVar variation 954073 (VCV000954073.6), dbSNP rs2051909999, ClinGen allele CA394558607.